The following is an entry in ClinVar:

NM_001127453.2(GSDME):c.132G>C (p.Trp44Cys)

Gene: GSDME (gasdermin E; minus strand). Cytogenetic location: 7p15.3.
Variant type: single nucleotide variant.
Coding change: c.132G>C on transcript NM_001127453.2 (MANE Select); coding-DNA position 132, G replaced by C.
Protein change: p.Trp44Cys; replaces tryptophan 44 with cysteine.
Molecular consequence: missense variant. On other transcripts: intron variant (1).
Genome position (GRCh38, 1-based): chr7:24,749,643, C>G on the plus strand (G>C on the coding strand, the complement: GSDME is on the minus strand). VCF-style: chr7-24749643-C-G. GRCh37 (hg19) VCF-style: chr7-24789262-C-G.
Other names: c.132G>C, p.Trp44Cys (NM_004403.3); c.-281-4889G>C (NM_001127454.2); short protein forms W44C.
Identifiers: ClinVar variation 3282949 (VCV003282949.2).

ClinVar aggregate classification (germline): Uncertain significance. Review status: criteria provided, multiple submitters, no conflicts (2 of 4 stars). 2 submissions from 2 submitters: Uncertain significance (2). Last evaluated 2025-04-22.

Conditions:
GSDME-related disorder. Also called: GSDME-related condition.
Inborn genetic diseases. Identifiers: MedGen C0950123, MeSH D030342.

gnomAD v4.1: 9 of 1,613,978 alleles (0.00056%); highest among the groups gnomAD compares: Non-Finnish European, 0.00076%; no homozygotes.

Submissions (2):

PreventionGenetics, part of Exact Sciences
Classification: Uncertain significance for GSDME-related condition. Last evaluated: 2025-04-22. Review status: criteria provided, single submitter. Criteria: ACMG Guidelines, 2015. Collection method: clinical testing. Allele origin: germline.
Comment: The GSDME c.132G>C variant is predicted to result in the amino acid substitution p.Trp44Cys. To our knowledge, this variant has not been reported in the literature. This variant is reported in 0.0062% of alleles in individuals of European (Non-Finnish) descent in gnomAD. At this time, the clinical significance of this variant is uncertain due to the absence of conclusive functional and genetic evidence.

Ambry Genetics
Classification: Uncertain significance for Inborn genetic diseases. Last evaluated: 2024-04-15. Review status: criteria provided, single submitter. Criteria: Ambry Variant Classification Scheme 2023. Collection method: clinical testing. Allele origin: germline.